The following is an entry in ClinVar:

NM_182931.3(KMT2E):c.583G>A (p.Gly195Ser)

Gene: KMT2E (lysine methyltransferase 2E (inactive); plus strand). Cytogenetic location: 7q22.3.
Variant type: single nucleotide variant.
Coding change: c.583G>A on transcript NM_182931.3 (MANE Select); coding-DNA position 583, G replaced by A.
Protein change: p.Gly195Ser; replaces glycine 195 with serine.
Molecular consequence: missense variant.
Genome position (GRCh38, 1-based): chr7:105,074,669, G>A. VCF-style: chr7-105074669-G-A. GRCh37 (hg19) VCF-style: chr7-104715116-G-A.
Other names: c.583G>A, p.Gly195Ser (NM_001410908.1, NM_018682.4); short protein forms G195S.
Identifiers: ClinVar variation 4803257 (VCV004803257.1).

ClinVar aggregate classification (germline): Uncertain significance (1 of 4 stars; one submission).

Submission:

Labcorp Genetics (formerly Invitae), Labcorp
Classification: Uncertain significance. Last evaluated: 2025-12-23. Review status: criteria provided, single submitter. Criteria: Invitae Variant Classification Sherloc (09022015). Collection method: clinical testing. Allele origin: germline.
Comment: This sequence change replaces glycine, which is neutral and non-polar, with serine, which is neutral and polar, at codon 195 of the KMT2E protein (p.Gly195Ser). This variant is not present in population databases (gnomAD no frequency). This variant has not been reported in the literature in individuals affected with KMT2E-related conditions. Invitae Evidence Modeling of protein sequence and biophysical properties (such as structural, functional, and spatial information, amino acid conservation, physicochemical variation, residue mobility, and thermodynamic stability) indicates that this missense variant is not expected to disrupt KMT2E protein function with a negative predictive value of 80%. In summary, the available evidence is currently insufficient to determine the role of this variant in disease. Therefore, it has been classified as a Variant of Uncertain Significance.